The following is an entry in ClinVar:

NM_000246.4(CIITA):c.1532T>C (p.Leu511Pro)

Gene: CIITA (class II major histocompatibility complex transactivator; plus strand). Cytogenetic location: 16p13.13.
Variant type: single nucleotide variant.
Coding change: c.1532T>C on transcript NM_000246.4 (MANE Select); coding-DNA position 1532, T replaced by C.
Protein change: p.Leu511Pro; replaces leucine 511 with proline.
Molecular consequence: missense variant. On other transcripts: intron variant (1).
Genome position (GRCh38, 1-based): chr16:10,907,024, T>C. VCF-style: chr16-10907024-T-C. GRCh37 (hg19) VCF-style: chr16-11000881-T-C.
Other names: c.1535T>C, p.Leu512Pro (NM_001286402.1, NM_001379332.1); c.1388T>C, p.Leu463Pro (NM_001379330.1); c.1385T>C, p.Leu462Pro (NM_001379331.1); c.1532T>C, p.Leu511Pro (NM_001379333.1); c.1463T>C, p.Leu488Pro (NM_001379334.1); c.860-1959T>C (NM_001286403.2); short protein forms L462P, L488P, L463P, L512P, L511P.
Identifiers: ClinVar variation 2146691 (VCV002146691.1), dbSNP rs147316330, ClinGen allele CA7900160.

ClinVar aggregate classification (germline): Uncertain significance (1 of 4 stars; one submission).

Conditions:
MHC class II deficiency. Also called: Bare lymphocyte syndrome 2; BLS, TYPE II. Identifiers: Orphanet 572, MedGen C5447452, MONDO:0008855.

Allele frequency attached by ClinVar (database versions not stated): ExAC 0.00001; gnomAD exomes 0.00001; 1000 Genomes Project 30x 0.00016; 1000 Genomes Project 0.00020.
gnomAD v4.1: 29 of 1,608,736 alleles (0.0018%); highest among the groups gnomAD compares: East Asian, 0.056%; no homozygotes.

Submission:

Labcorp Genetics (formerly Invitae), Labcorp
Classification: Uncertain significance for MHC class II deficiency. Last evaluated: 2022-08-10. Review status: criteria provided, single submitter. Criteria: Invitae Variant Classification Sherloc (09022015). Collection method: clinical testing. Allele origin: germline.
Comment: This sequence change replaces leucine, which is neutral and non-polar, with proline, which is neutral and non-polar, at codon 511 of the CIITA protein (p.Leu511Pro). This variant is present in population databases (rs147316330, gnomAD 0.06%). This variant has not been reported in the literature in individuals affected with CIITA-related conditions. Algorithms developed to predict the effect of missense changes on protein structure and function (SIFT, PolyPhen-2, Align-GVGD) all suggest that this variant is likely to be tolerated. In summary, the available evidence is currently insufficient to determine the role of this variant in disease. Therefore, it has been classified as a Variant of Uncertain Significance.